The following is an entry in ClinVar:

NM_000536.4(RAG2):c.376G>C (p.Glu126Gln)

Gene: RAG2 (recombination activating 2; minus strand). Cytogenetic location: 11p12.
Variant type: single nucleotide variant.
Coding change: c.376G>C on transcript NM_000536.4 (MANE Select); coding-DNA position 376, G replaced by C.
Protein change: p.Glu126Gln; replaces glutamic acid 126 with glutamine.
Molecular consequence: missense variant.
Genome position (GRCh38, 1-based): chr11:36,593,793, C>G on the plus strand (G>C on the coding strand, the complement: RAG2 is on the minus strand). VCF-style: chr11-36593793-C-G. GRCh37 (hg19) VCF-style: chr11-36615343-C-G.
Other names: c.376G>C, p.Glu126Gln (NM_001243785.2, NM_001243786.2); short protein forms E126Q.
Identifiers: ClinVar variation 2139329 (VCV002139329.1), dbSNP rs774716621, ClinGen allele CA5950581.

ClinVar aggregate classification (germline): Uncertain significance (1 of 4 stars; one submission).

Conditions:
Severe combined immunodeficiency, autosomal recessive, T cell-negative, B cell-negative, NK cell-positive. Also called: SCID, T CELL-NEGATIVE, B CELL-NEGATIVE, NK CELL-POSITIVE; SCID, AR, T-cell negative, B-cell negative, NK cell-positive; Severe combined immunodeficiency due to complete RAG1/2 deficiency. Identifiers: Orphanet 331206, MedGen C1832322, MONDO:0011086, OMIM 601457.
Combined immunodeficiency with skin granulomas. Identifiers: Orphanet 157949, MedGen C2673536, MONDO:0009306, OMIM 233650.

Allele frequency attached by ClinVar (database versions not stated): gnomAD exomes below 0.00001; TOPMed below 0.00001; ExAC 0.00002.
gnomAD v4.1: 2 of 1,614,218 alleles (0.00012%); highest among the groups gnomAD compares: East Asian, 0.0045%; no homozygotes.

Submission:

Labcorp Genetics (formerly Invitae), Labcorp
Classification: Uncertain significance for Combined immunodeficiency with skin granulomas; Severe combined immunodeficiency, autosomal recessive, T cell-negative, B cell-negative, NK cell-positive. Last evaluated: 2022-08-07. Review status: criteria provided, single submitter. Criteria: Invitae Variant Classification Sherloc (09022015). Collection method: clinical testing. Allele origin: germline.
Comment: This sequence change replaces glutamic acid, which is acidic and polar, with glutamine, which is neutral and polar, at codon 126 of the RAG2 protein (p.Glu126Gln). This variant is not present in population databases (gnomAD no frequency). This variant has not been reported in the literature in individuals affected with RAG2-related conditions. Advanced modeling of protein sequence and biophysical properties (such as structural, functional, and spatial information, amino acid conservation, physicochemical variation, residue mobility, and thermodynamic stability) performed at Invitae indicates that this missense variant is expected to disrupt RAG2 protein function. In summary, the available evidence is currently insufficient to determine the role of this variant in disease. Therefore, it has been classified as a Variant of Uncertain Significance.